The following is an entry in ClinVar:

NM_178135.5(HSD17B13):c.812+2dup

Gene: HSD17B13 (hydroxysteroid 17-beta dehydrogenase 13; minus strand). Cytogenetic location: 4q22.1.
Variant type: Duplication.
Coding change: c.812+2dup on transcript NM_178135.5 (MANE Select); the canonical splice donor site of the intron after coding-DNA position 812, one base duplicated (T; older notation c.812+2dupT).
Molecular consequence: splice donor variant.
Genome position (GRCh38, 1-based): chr4:87,310,241, A duplicated on the plus strand (T on the coding strand, the reverse complement: HSD17B13 is on the minus strand). VCF-style (leftmost placement, unchanged base first): chr4-87310240-T-TA. GRCh37 (hg19) VCF-style: chr4-88231392-T-TA.
Other names: IVS6DS, 1-BP INS, A (rs72613567); c.704+2dup (NM_001136230.3).
Identifiers: ClinVar variation 1247925 (VCV001247925.4), dbSNP rs72613567, ClinGen allele CA2999458.

ClinVar aggregate classification (germline): Benign. Review status: criteria provided, single submitter (1 of 4 stars). 3 submissions from 2 submitters: Benign (1). 2 of the submissions do not count toward it. Last evaluated 2018-07-13.

Conditions:
HSD17B13 POLYMORPHISM.
FATTY LIVER DISEASE, PROTECTION AGAINST.

Allele frequency attached by ClinVar (database versions not stated): 1000 Genomes Project 30x 0.17958; 1000 Genomes Project 0.18371; TOPMed 0.18853; gnomAD 0.19453 and 0.19658; ESP Exome Variant Server 0.20703; gnomAD exomes 0.21752 and 0.25676; ExAC 0.22232.

Submissions (3):

GeneDx
Classification: Benign. Last evaluated: 2018-07-13. Review status: criteria provided, single submitter. Criteria: GeneDx Variant Classification Process June 2021. Collection method: clinical testing. Allele origin: germline. Affected: yes.
Comment: This variant is associated with the following publications: (PMID: 32161197, 32039348, 30415504, 30908678, 29562163)

OMIM
Classification: Benign for HSD17B13 POLYMORPHISM. Last evaluated: 2025-04-23. Review status: no assertion criteria provided. Collection method: literature only. Allele origin: germline. Not counted in ClinVar's aggregate classification.

OMIM
Classification: protective for FATTY LIVER DISEASE, PROTECTION AGAINST. Last evaluated: 2025-04-23. Review status: no assertion criteria provided. Collection method: literature only. Allele origin: germline. Not counted in ClinVar's aggregate classification.

Literature cited by the submitters: PubMed 29562163 (cited by OMIM); PubMed 34930143 (cited by OMIM).